The following is an entry in ClinVar:

ClinVar aggregate classification (germline): Likely benign (1 of 4 stars; one submission).

gnomAD v4.1: 482 of 1,547,678 alleles (0.031%); highest among the groups gnomAD compares: Middle Eastern, 0.22%; no homozygotes.

Submission:

CeGaT Center for Human Genetics Tuebingen
Classification: Likely benign. Last evaluated: 2025-07-01. Review status: criteria provided, single submitter. Criteria: CeGaT Center For Human Genetics Tuebingen Variant Classification Criteria Version 2. Collection method: clinical testing. Allele origin: germline. Affected: yes. Observed: 1 variant allele.
Comment: PCDHGC5: BP4, BP7

NM_018929.3(PCDHGC5):c.2460+78C>T

Genes: PCDHG@ (protocadherin gamma cluster; plus strand), PCDHGA1 (protocadherin gamma subfamily A, 1; plus strand), PCDHGA10 (protocadherin gamma subfamily A, 10; plus strand), PCDHGA11 (protocadherin gamma subfamily A, 11; plus strand), PCDHGA12 (protocadherin gamma subfamily A, 12; plus strand) and 19 more. Cytogenetic location: 5q31.3.
Variant type: single nucleotide variant.
Coding change: c.2460+78C>T on transcript NM_018929.3 (MANE Select); 78 bases into the intron after coding-DNA position 2460, C replaced by T.
Molecular consequence: intron variant. On other transcripts: synonymous variant (1).
Genome position (GRCh38, 1-based): chr5:141,491,778, C>T. VCF-style: chr5-141491778-C-T. GRCh37 (hg19) VCF-style: chr5-140871345-C-T.
Other names: c.2538C>T, p.Asn846= (NM_032407.1); c.2422-3029C>T (NM_018912.3, NM_018923.3, NM_018918.3); c.2425-3029C>T (NM_018915.4, NM_018916.4, NM_018919.3 and 4 more transcripts); c.2410-3029C>T (NM_018922.3); c.2515-3029C>T (NM_018917.4); c.2416-3029C>T (NM_018924.5, NM_018927.4); c.2398-3029C>T (NM_003736.4, NM_018925.3); c.2419-3029C>T (NM_018926.3); and 7 more.
Identifiers: ClinVar variation 4083772 (VCV004083772.8).